The following is an entry in ClinVar:

ClinVar aggregate classification (germline): Pathogenic/Likely pathogenic. Review status: criteria provided, multiple submitters, no conflicts (2 of 4 stars). 4 submissions from 4 submitters: Pathogenic (1); Likely pathogenic (1). 2 of the submissions do not count toward it. Last evaluated 2025-04-03.

Conditions:
Muscular dystrophy-dystroglycanopathy (congenital with brain and eye anomalies), type A3. Also called: Congenital muscular dystrophy-dystroglycanopathy with brain and eye anomalies, type A3; WALKER-WARBURG SYNDROME OR MUSCLE-EYE-BRAIN DISEASE, POMGNT1-RELATED; Muscular dystrophy-dystroglycanopathy (congenital with brain and eye anomalies), type A, 3. Identifiers: MedGen C3151519, MONDO:0009667, OMIM 253280.
Autosomal recessive limb-girdle muscular dystrophy. Identifiers: Orphanet 102015, MedGen C2931907, MONDO:0015152.
Muscle eye brain disease (MEB). Also called: Santavuori congenital muscular dystrophy. Identifiers: Orphanet 588, Orphanet 899, MedGen C0457133, MONDO:0018939.

Submissions (4):

Women's Health and Genetics/Laboratory Corporation of America, LabCorp
Classification: Pathogenic for Autosomal recessive limb-girdle muscular dystrophy. Last evaluated: 2025-04-03. Review status: criteria provided, single submitter. Criteria: LabCorp Variant Classification Summary - May 2015. Collection method: clinical testing. Allele origin: germline.
Comment: Variant summary: POMGNT1 c.1649G>A (p.Ser550Asn) results in a conservative amino acid change in the encoded protein sequence. Four of five in-silico tools predict a benign effect of the variant on protein function. Several computational tools predict a significant impact on normal splicing: Four predict the variant weakens a 5' donor site. However, these predictions have yet to be confirmed by functional studies. The variant was absent in 251496 control chromosomes. c.1649G>A has been reported in the literature in the homozygous state in individuals affected with Muscle-Eye-Brain Disease (Zhang_2003, Yoshida_2001, Eker_2022). These data indicate that the variant is likely to be associated with disease. At least one publication reports experimental evidence evaluating an impact on protein function. The most pronounced variant effect results in absent enzyme activity (Manya_2003). This variant is also known as G1743A. The following publications have been ascertained in the context of this evaluation (PMID: 35846108, 12788071, 11709191, 12849864). ClinVar contains an entry for this variant (Variation ID: 3988). Based on the evidence outlined above, the variant was classified as pathogenic.

Baylor Genetics
Classification: Likely pathogenic for Muscular dystrophy-dystroglycanopathy (congenital with brain and eye anomalies), type A3. Last evaluated: 2023-03-13. Review status: criteria provided, single submitter. Criteria: ACMG Guidelines, 2015. Collection method: clinical testing. Allele origin: unknown.

Counsyl
Classification: Likely pathogenic for Muscle eye brain disease. Last evaluated: 2014-06-25. Review status: no assertion criteria provided. Collection method: literature only. Allele origin: unknown. Inheritance: Autosomal recessive inheritance. Not counted in ClinVar's aggregate classification.

OMIM
Classification: Pathogenic for MUSCULAR DYSTROPHY-DYSTROGLYCANOPATHY (CONGENITAL WITH BRAIN AND EYE ANOMALIES), TYPE A, 3. Last evaluated: 2001-11-01. Review status: no assertion criteria provided. Collection method: literature only. Allele origin: germline. Not counted in ClinVar's aggregate classification.

Literature cited by the submitters: PubMed 11709191 (cited by 3 submitters); PubMed 35846108 (cited by Women's Health and Genetics/Laboratory Corporation of America, LabCorp); PubMed 12788071 (cited by Women's Health and Genetics/Laboratory Corporation of America, LabCorp and Counsyl); PubMed 12849864 (cited by Women's Health and Genetics/Laboratory Corporation of America, LabCorp and Counsyl).

NM_017739.4(POMGNT1):c.1649G>A (p.Ser550Asn)

Genes: TSPAN1 (tetraspanin 1; plus strand), POMGNT1 (protein O-linked mannose N-acetylglucosaminyltransferase 1 (beta 1,2-); minus strand). Cytogenetic location: 1p34.1.
Variant type: single nucleotide variant.
Coding change: c.1649G>A on transcript NM_017739.4 (MANE Select); coding-DNA position 1649, G replaced by A.
Protein change: p.Ser550Asn; replaces serine 550 with asparagine.
Molecular consequence: missense variant.
Genome position (GRCh38, 1-based): chr1:46,190,473, C>T on the plus strand (G>A on the coding strand, the complement: POMGNT1 is on the minus strand). VCF-style: chr1-46190473-C-T. GRCh37 (hg19) VCF-style: chr1-46656145-C-T.
Other names: c.1649G>A, p.Ser550Asn (NM_001243766.2, NM_001410783.1); c.1583G>A, p.Ser528Asn (NM_001290129.3); c.1220G>A, p.Ser407Asn (NM_001290130.2); short protein forms S550N, S528N, S407N.
Identifiers: ClinVar variation 3988 (VCV000003988.7), dbSNP rs193919335, ClinGen allele CA116540.